The following is an entry in ClinVar:

NM_000152.5(GAA):c.2481+110_2646+39del

Gene: GAA (alpha glucosidase; plus strand). Cytogenetic location: 17q25.3.
Variant type: Deletion.
Coding change: c.2481+110_2646+39del on transcript NM_000152.5 (MANE Select); 110 bases into the intron after coding-DNA position 2481 through 39 bases into the intron after coding-DNA position 2646, 538 bases deleted.
Molecular consequence: splice acceptor variant, splice donor variant.
Genome position (GRCh38, 1-based): chr17:80,117,859-80,118,396, 538 bases deleted. GRCh37 (hg19): chr17:78,091,658-78,092,195.
Other names: c.2481+110_2646+39del (NM_001079803.3, NM_001079804.3); c.2481+104_2646+33del (LRG_673t1).
Identifiers: ClinVar variation 657307 (VCV000657307.13), dbSNP rs1598592604, ClinGen allele CA658795291.

ClinVar aggregate classification (germline): Pathogenic. Review status: reviewed by expert panel (3 of 4 stars). 6 submissions from 6 submitters: Pathogenic (1). 5 of the submissions do not count toward it. Last evaluated 2025-08-08.

Conditions:
Glycogen storage disease, type II (IOPD). Also called: POMPE DISEASE, INFANTILE-ONSET; GLYCOGEN STORAGE DISEASE II, INFANTILE-ONSET; ACID ALPHA-GLUCOSIDASE DEFICIENCY, INFANTILE-ONSET; GAA DEFICIENCY, INFANTILE-ONSET; ACID MALTASE DEFICIENCY, INFANTILE-ONSET; GLYCOGENOSIS, GENERALIZED, CARDIAC FORM. Identifiers: Orphanet 365, MedGen C0017921, MONDO:0009290, OMIM 232300.

Submissions (6):

ClinGen Lysosomal Storage Disorder Variant Curation Expert Panel
Classification: Pathogenic for Glycogen storage disease, type II. Last evaluated: 2025-08-08. Review status: reviewed by expert panel. Criteria: clingen_lsd_acmg_specifications_v2-1. Collection method: curation. Allele origin: germline. Inheritance: Autosomal recessive inheritance.
Comment: The NM_000152.5:c.2481+110_2646+39del variant in GAA, which is also known as c.2481+102_2646+31del and NC_000017.11:g.80117859_80118396del (GRCh38), is a deletion that removes exon 18 in addition to flanking intronic sequences in GAA. The result is an in-frame deletion of 55 amino acids, p.Gly828_Asn882del. In the older literature, this variant has been referred to as "exon 18 deletion". When expressed in GAA-deficient fibroblasts, the variant resulted in no increase in GAA activity (Boerkoel et al, 1995; PMID: 7717400). Pulse chase and western blot in fibroblasts from patients with the deletion have shown that GAA precursor protein is made, but is smaller than normal (as expected due to the deletion) and it is not processed to the active form of the enzyme, 76 kDa (PMID: 8884087, 26693141). In addition, studies using brefeldin A indicate that the mutant protein is degraded in the ER and is not secreted or trafficked to the lysosomes (PMID: 8884087) (PVS1). This variant is one of the more common variants identified in patients with Pompe disease, accounting for about 12-15% of alleles in Caucasian patients with infantile onset Pompe disease (PMID: 7945303, 8558570, 8884087, 9950376, 20301438). The Erasmus Medical Center's Pompe database cites 116 patients with this variant. While the level of detail provided is variable in different reports, there are many patients reported with documented deficiency of GAA activity, treated by enzyme replacement therapy, and with clinical features consistent with Pompe disease (for example PMID: 7717400, 8558570, 18285536, 30902109 (PP4_Moderate). Reports of individuals with this variant include patients with infantile onset Pompe disease who are homozygous for the variant (for example, PMID: 8558570 (n=2), 29122469, 30902109; max 0.5 x 2 points); patients with infantile onset Pompe disease who are compound heterozygous for the variant and another variant in GAA that has been classified as pathogenic by the ClinGen LD VCEP, for example c.379_380del (PMID: 8558570) (ClinVar Variation ID: 552747,SCV002032110.1), c.437del (PMID: 22658377) (Variation ID: 554096, SCV002032111.1) , c.525del (PMID: 8558570 (n=4), 29122469) (ClinVar Variation ID: 4033, SCV001443331.1), c.2237G>A (p.Trp746Ter) (PMID: 18285536) (ClinVar Variation ID: 280063, SCV001371720.1), and c.2560C>T (p.Arg854Ter) (PMID: 19588081) (ClinVar Variation ID: 4034, SCV001371731.1) (all phase unconfirmed, 0.5 points for each patients with a maximum of 1 point for each second variant = 3 points); and patients with late onset Pompe disease who are compound heterozygous for the variant and c.-32-13T>G, a pathogenic, leaky splice variant that allows a small amount of residual active enzyme to be produced (PMID: 7717400; PMID: 8558570 n=5; PMID: 19588081; PMID: 29122469) (ClinVar Variation ID: 4027, SCV005382543.1). As noted, numerous additional patients have been reported, but the maximum points for PM3 (4 points) has already been reached. Total >4 points (PM3_VeryStrong). In summary, this variant meets the criteria to be classified as pathogenic for Pompe disease. GAA-specific ACMG/AMP criteria applied, as specified by the ClinGen Lysosomal Diseases Variant Curation Expert Panel (Specifications Version 2.0): PVS1, PM3_VeryStrong, PP4_Moderate. (Classification approved by the ClinGen Lysosomal Diseases Variant Curation Expert Panel, August 8, 2025)

Baylor Genetics
Classification: Pathogenic for Glycogen storage disease, type II. Last evaluated: 2024-02-13. Review status: criteria provided, single submitter. Criteria: ACMG Guidelines, 2015. Collection method: clinical testing. Allele origin: unknown. Not counted in ClinVar's aggregate classification.

Illumina Laboratory Services, Illumina
Classification: Pathogenic for Glycogen storage disease, type II. Last evaluated: 2023-12-05. Review status: criteria provided, single submitter. Criteria: ICSLVariantClassificationCriteria RUGD 01 April 2020. Collection method: clinical testing. Allele origin: unknown. Not counted in ClinVar's aggregate classification.
Comment: The GAA c.2481+110_2646+39del variant, also commonly known as c.2481+102_2646+31del, p.(Gly828_Asn882del), is an established pathogenic variant associated with glycogen storage disease type II. This variant results in an 0.5 kb intragenic in-frame deletion encompassing exon 18 of the GAA gene. Across a selection of the available literature, the variant is consistently described as a severe allele with functional studies demonstrating that the variant results in a truncated protein precursor subject to degradation, and negligible residual acid alpha glucosidase activity (PMID: 8884087; 20301438; 25243733). Clinically, homozygous individuals typically present with an infantile-onset phenotype whereas compound heterozygous individuals display more variable presentations (PMID: 31086307; 34405923). Based on the available evidence, the c.2481+110_2646+39del variant is classified as pathogenic for glycogen storage disease type II.

Revvity Omics, Revvity
Classification: Pathogenic. Last evaluated: 2023-07-31. Review status: criteria provided, single submitter. Criteria: ACMG Guidelines, 2015. Collection method: clinical testing. Allele origin: germline. Not counted in ClinVar's aggregate classification.

Laboratory for Molecular Medicine, Mass General Brigham Personalized Medicine
Classification: Pathogenic for Glycogen storage disease, type II. Last evaluated: 2021-02-01. Review status: criteria provided, single submitter. Criteria: LMM Criteria. Collection method: clinical testing. Allele origin: germline. Inheritance: Autosomal recessive inheritance. Observed: 1 variant allele. Not counted in ClinVar's aggregate classification.
Comment: The deletion of exon 19 of GAA has been reported in the homozygous or compound heterozygous state in >20 individuals with glycogen storage disease II (GSDII; Kroos 1995 PMID:8558570, McCready 2007 PMID: 17723315, Joshi 2008 PMID: 18607768, Oba-Shinjo 2009 PMID: 19588081, Sacconi 2014 PMID:24844452, PÃ©rez-LÃ³pez 2015 PMID:25752415). Of note, this variant is often reported as a deletion of exon 18 due to exon numbering differences. It has been identified in 0.013% (1/7624) of European chromosomes in gnomAD and has been reported as Pathogenic in ClinVar (Variation ID 657307). This variant is predicted to result in the deletion of 55 amino acids (p.Gly828_Asn882del). Although it is not predicted to alter the protein reading-frame, the low frequency of this variant in the general population combined with its identification in multiple individuals with low or absent Î±-glucosidase activity strongly suggests that it is detrimental to protein function. In summary, this variant meets criteria to be classified as pathogenic for autosomal recessive GSDII. ACMG/AMP criteria applied: PM3_Very strong, PVS1_Moderate, PP4, PM2_Supporting.

Labcorp Genetics (formerly Invitae), Labcorp
Classification: Pathogenic for Glycogen storage disease, type II. Last evaluated: 2018-12-03. Review status: criteria provided, single submitter. Criteria: Invitae Variant Classification Sherloc (09022015). Collection method: clinical testing. Allele origin: germline. Not counted in ClinVar's aggregate classification.
Comment: This variant is a gross deletion of the genomic region encompassing exon 18 of the GAA gene. This leads to an in-frame deletion, preserving the integrity of the reading frame. Loss-of-function variants, including gross deletions, in GAA are known to be pathogenic. Deletion of exon 18 has been reported in the literature in multiple individuals affected with glycogen storage disease type II, also known as Pompe disease (PMID: 18607768, 8558570, 17723315, 15121988, 19588081, 25752415, 24844452). This deletion is also known as c.2481+102_2646+31del (p.Gly828_Asn882del) in the literature. For these reasons, this variant has been classified as Pathogenic.

Literature cited by the submitters: PubMed 8884087 (cited by Illumina Laboratory Services, Illumina); PubMed 25243733 (cited by Illumina Laboratory Services, Illumina); PubMed 20301438 (cited by Illumina Laboratory Services, Illumina); PubMed 31086307 (cited by Illumina Laboratory Services, Illumina); PubMed 34405923 (cited by Illumina Laboratory Services, Illumina); PubMed 24844452 (cited by Laboratory for Molecular Medicine, Mass General Brigham Personalized Medicine and Labcorp Genetics (formerly Invitae), Labcorp); PubMed 18607768 (cited by Laboratory for Molecular Medicine, Mass General Brigham Personalized Medicine and Labcorp Genetics (formerly Invitae), Labcorp); PubMed 8558570 (cited by Laboratory for Molecular Medicine, Mass General Brigham Personalized Medicine and Labcorp Genetics (formerly Invitae), Labcorp); PubMed 17723315 (cited by Laboratory for Molecular Medicine, Mass General Brigham Personalized Medicine and Labcorp Genetics (formerly Invitae), Labcorp); PubMed 19588081 (cited by Laboratory for Molecular Medicine, Mass General Brigham Personalized Medicine and Labcorp Genetics (formerly Invitae), Labcorp); PubMed 25752415 (cited by Laboratory for Molecular Medicine, Mass General Brigham Personalized Medicine and Labcorp Genetics (formerly Invitae), Labcorp); PubMed 15121988 (cited by Labcorp Genetics (formerly Invitae), Labcorp).